The following is an entry in ClinVar:

ClinVar aggregate classification (germline): Pathogenic. Review status: criteria provided, multiple submitters, no conflicts (2 of 4 stars). 2 submissions from 2 submitters: Pathogenic (2). Last evaluated 2025-05-17.

Conditions:
POLG-related disorder. Also called: POLG-related condition; POLG-Related Disorders; POLG-Related Spectrum Disorders. Identifiers: MedGen C4763519.
Progressive sclerosing poliodystrophy (MTDPS4A). Also called: Mitochondrial DNA depletion syndrome 4A (Alpers type); Mitochondrial DNA Depletion Syndrome 4A; Alpers-Huttenlocher Syndrome (AHS); ALPERS PROGRESSIVE INFANTILE POLIODYSTROPHY; NEURONAL DEGENERATION OF CHILDHOOD WITH LIVER DISEASE, PROGRESSIVE; Alpers Syndrome. Identifiers: Orphanet 726, MedGen C0205710, MONDO:0008758, OMIM 203700.

Submissions (2):

Labcorp Genetics (formerly Invitae), Labcorp
Classification: Pathogenic for Progressive sclerosing poliodystrophy. Last evaluated: 2025-05-17. Review status: criteria provided, single submitter. Criteria: Invitae Variant Classification Sherloc (09022015). Collection method: clinical testing. Allele origin: germline.
Comment: This sequence change creates a premature translational stop signal (p.Tyr649*) in the POLG gene. It is expected to result in an absent or disrupted protein product. Loss-of-function variants in POLG are known to be pathogenic (PMID: 18546365). This variant is present in population databases (no rsID available, gnomAD 0.01%). This variant has not been reported in the literature in individuals affected with POLG-related conditions. ClinVar contains an entry for this variant (Variation ID: 969298). For these reasons, this variant has been classified as Pathogenic.

Myriad Genetics, Inc.
Classification: Pathogenic for POLG-related disorder. Last evaluated: 2024-06-14. Review status: criteria provided, single submitter. Criteria: Myriad Autosomal Dominant, Autosomal Recessive and X-Linked Classification Criteria (2023). Collection method: clinical testing. Allele origin: unknown.
Comment: NM_002693.2(POLG):c.1947C>A(Y649*) is expected to be pathogenic in the context of POLG-related disorders. This variant is predicted to lead to an abnormal or absent protein product due to the creation of a premature termination codon in POLG, a gene where loss-of-function variants are known to be pathogenic. Please note: this variant was assessed in the context of healthy population screening.

Literature cited by the submitters: PubMed 18546365 (cited by Labcorp Genetics (formerly Invitae), Labcorp).

NM_002693.3(POLG):c.1947C>A (p.Tyr649Ter)

Gene: POLG (DNA polymerase gamma, catalytic subunit; minus strand). Cytogenetic location: 15q26.1.
Variant type: single nucleotide variant.
Coding change: c.1947C>A on transcript NM_002693.3 (MANE Select); coding-DNA position 1947, C replaced by A.
Protein change: p.Tyr649Ter; replaces tyrosine 649 with a stop codon.
Molecular consequence: nonsense.
Genome position (GRCh38, 1-based): chr15:89,325,452, G>T on the plus strand (C>A on the coding strand, the complement: POLG is on the minus strand). VCF-style: chr15-89325452-G-T. GRCh37 (hg19) VCF-style: chr15-89868683-G-T.
Other names: c.1947C>A, p.Tyr649Ter (NM_001126131.2); short protein forms Y649*.
Identifiers: ClinVar variation 969298 (VCV000969298.9), dbSNP rs1465650547, ClinGen allele CA393758895.